The following is an entry in ClinVar:

NM_020631.6(PLEKHG5):c.2691C>G (p.Ala897=)

Gene: PLEKHG5 (pleckstrin homology and RhoGEF domain containing G5; minus strand). Cytogenetic location: 1p36.31.
Variant type: single nucleotide variant.
Coding change: c.2691C>G on transcript NM_020631.6 (MANE Select); coding-DNA position 2691, C replaced by G.
Protein change: p.Ala897=; no amino-acid change (alanine 897 retained).
Molecular consequence: synonymous variant.
Genome position (GRCh38, 1-based): chr1:6,468,145, G>C on the plus strand (C>G on the coding strand, the complement: PLEKHG5 is on the minus strand). VCF-style: chr1-6468145-G-C. GRCh37 (hg19) VCF-style: chr1-6528205-G-C.
Other names: c.2802C>G, p.Ala934= (NM_001042663.3, NM_001265592.2); c.2691C>G, p.Ala897= (NM_001042664.2, NM_001042665.2, NM_001265594.3 and 1 more transcripts); c.2898C>G, p.Ala966= (NM_001265593.2).
Identifiers: ClinVar variation 389931 (VCV000389931.8), dbSNP rs755539639, ClinGen allele CA16603687.

ClinVar aggregate classification (germline): Likely benign. Review status: criteria provided, multiple submitters, no conflicts (2 of 4 stars). 3 submissions from 3 submitters: Likely benign (3). Last evaluated 2023-12-04.

Conditions:
Neuronopathy, distal hereditary motor, autosomal recessive 4. Also called: Autosomal recessive lower motor neuron disease with childhood onset; NEUROPATHY, DISTAL HEREDITARY MOTOR, AUTOSOMAL RECESSIVE 4. Identifiers: Orphanet 206580, MedGen C1970211, MONDO:0012608, OMIM 611067.
Charcot-Marie-Tooth disease recessive intermediate C. Also called: CHARCOT-MARIE-TOOTH NEUROPATHY, RECESSIVE INTERMEDIATE C. Identifiers: Orphanet 369867, MedGen C3809309, MONDO:0014154, OMIM 615376.
Inborn genetic diseases. Identifiers: MedGen C0950123, MeSH D030342.

Allele frequency attached by ClinVar (database versions not stated): TOPMed 0.00002.
gnomAD v4.1: 12 of 1,571,222 alleles (0.00076%); highest among the groups gnomAD compares: Non-Finnish European, 0.001%; no homozygotes.

Submissions (3):

Labcorp Genetics (formerly Invitae), Labcorp
Classification: Likely benign for Neuronopathy, distal hereditary motor, autosomal recessive 4; Charcot-Marie-Tooth disease recessive intermediate C. Last evaluated: 2023-12-04. Review status: criteria provided, single submitter. Criteria: Invitae Variant Classification Sherloc (09022015). Collection method: clinical testing. Allele origin: germline.

Ambry Genetics
Classification: Likely benign for Inborn genetic diseases. Last evaluated: 2019-07-11. Review status: criteria provided, single submitter. Criteria: Ambry Variant Classification Scheme 2023. Collection method: clinical testing. Allele origin: germline.

GeneDx
Classification: Likely benign. Last evaluated: 2016-11-07. Review status: criteria provided, single submitter. Criteria: GeneDx Variant Classification (06012015). Collection method: clinical testing. Allele origin: germline. Affected: yes.
Comment: This variant is considered likely benign or benign based on one or more of the following criteria: it is a conservative change, it occurs at a poorly conserved position in the protein, it is predicted to be benign by multiple in silico algorithms, and/or has population frequency not consistent with disease.